The following is an entry in ClinVar:

ClinVar aggregate classification (germline): Uncertain significance (1 of 4 stars; one submission).

Submission:

GeneDx
Classification: Uncertain significance. Last evaluated: 2023-06-26. Review status: criteria provided, single submitter. Criteria: GeneDx Variant Classification Process June 2021. Collection method: clinical testing. Allele origin: germline. Affected: yes.
Comment: Not observed at significant frequency in large population cohorts (gnomAD); In silico analysis supports that this missense variant has a deleterious effect on protein structure/function; Has not been previously published as pathogenic or benign to our knowledge

NM_018486.3(HDAC8):c.983C>T (p.Ser328Phe)

Gene: HDAC8 (histone deacetylase 8; minus strand). Cytogenetic location: Xq13.1.
Variant type: single nucleotide variant.
Coding change: c.983C>T on transcript NM_018486.3 (MANE Select); coding-DNA position 983, C replaced by T.
Protein change: p.Ser328Phe; replaces serine 328 with phenylalanine.
Molecular consequence: missense variant. On other transcripts: 3 prime UTR variant (1), non-coding transcript variant (1).
Genome position (GRCh38, 1-based): chrX:72,462,026, G>A on the plus strand (C>T on the coding strand, the complement: HDAC8 is on the minus strand). VCF-style: chrX-72462026-G-A. GRCh37 (hg19) VCF-style: chrX-71681876-G-A.
Other names: c.710C>T, p.Ser237Phe (NM_001166418.2, NM_001410728.1); c.983C>T, p.Ser328Phe (NM_001410725.1); c.905C>T, p.Ser302Phe (NM_001410727.1); c.*63C>T (NM_001410729.1); short protein forms S237F, S302F, S328F.
Identifiers: ClinVar variation 3360264 (VCV003360264.1).